The following is an entry in ClinVar:

NM_005422.4(TECTA):c.3692G>A (p.Arg1231Gln)

Genes: TBCEL-TECTA (TBCEL-TECTA readthrough; plus strand), TECTA (tectorin alpha; plus strand). Cytogenetic location: 11q23.3.
Variant type: single nucleotide variant.
Coding change: c.3692G>A on transcript NM_005422.4 (MANE Select); coding-DNA position 3692, G replaced by A.
Protein change: p.Arg1231Gln; replaces arginine 1231 with glutamine.
Molecular consequence: missense variant.
Genome position (GRCh38, 1-based): chr11:121,145,703, G>A. VCF-style: chr11-121145703-G-A. GRCh37 (hg19) VCF-style: chr11-121016412-G-A.
Other names: p.Arg1231Gln; c.4649G>A, p.Arg1550Gln (NM_001378761.1); short protein forms R1231Q, R1550Q.
Identifiers: ClinVar variation 2576694 (VCV002576694.6), dbSNP rs773546195, ClinGen allele CA6327269.

ClinVar aggregate classification (germline): Conflicting classifications of pathogenicity. Review status: criteria provided, conflicting classifications (1 of 4 stars). 5 submissions from 5 submitters: Uncertain significance (4); Likely benign (1). Last evaluated 2025-11-22.

Conditions:
Inborn genetic diseases. Identifiers: MedGen C0950123, MeSH D030342.

Allele frequency attached by ClinVar (database versions not stated): gnomAD 0.00006; TOPMed 0.00007.
gnomAD v4.1: 60 of 1,614,188 alleles (0.0037%); highest among the groups gnomAD compares: African/African-American, 0.015%; no homozygotes.

Submissions (5):

Labcorp Genetics (formerly Invitae), Labcorp
Classification: Likely benign. Last evaluated: 2025-11-22. Review status: criteria provided, single submitter. Criteria: Invitae Variant Classification Sherloc (09022015). Collection method: clinical testing. Allele origin: germline.

Ambry Genetics
Classification: Uncertain significance for Inborn genetic diseases. Last evaluated: 2023-12-14. Review status: criteria provided, single submitter. Criteria: Ambry Variant Classification Scheme 2023. Collection method: clinical testing. Allele origin: germline.

GeneDx
Classification: Uncertain significance. Last evaluated: 2023-02-16. Review status: criteria provided, single submitter. Criteria: GeneDx Variant Classification Process June 2021. Collection method: clinical testing. Allele origin: germline. Affected: yes.
Comment: In silico analysis supports that this missense variant does not alter protein structure/function; Has not been previously published as pathogenic or benign to our knowledge; This variant is associated with the following publications: (PMID: 9590290, 21520338, 31554319)

Mayo Clinic Laboratories, Mayo Clinic
Classification: Uncertain significance. Last evaluated: 2022-11-02. Review status: criteria provided, single submitter. Criteria: ACMG Guidelines, 2015. Collection method: clinical testing. Allele origin: germline. Observed: 1 variant allele.
Comment: PM2_supporting

Blueprint Genetics
Classification: Uncertain significance. Last evaluated: 2022-03-02. Review status: criteria provided, single submitter. Criteria: ACMG Guidelines, 2015. Collection method: clinical testing. Allele origin: germline.